The following is an entry in ClinVar:

ClinVar aggregate classification (germline): Likely pathogenic (1 of 4 stars; one submission).

Submission:

Labcorp Genetics (formerly Invitae), Labcorp
Classification: Likely pathogenic. Last evaluated: 2023-05-15. Review status: criteria provided, single submitter. Criteria: Invitae Variant Classification Sherloc (09022015). Collection method: clinical testing. Allele origin: germline.
Comment: This sequence change affects an acceptor splice site in intron 13 of the CTNNA1 gene. It is expected to disrupt RNA splicing. Variants that disrupt the donor or acceptor splice site typically lead to a loss of protein function (PMID: 16199547), and loss-of-function variants in CTNNA1 are known to be pathogenic (PMID: 32051609, 34425242). This variant is not present in population databases (gnomAD no frequency). Disruption of this splice site has been observed in individual(s) with clinical features of retinal dystrophy (Invitae). ClinVar contains an entry for this variant (Variation ID: 1357612). Algorithms developed to predict the effect of sequence changes on RNA splicing suggest that this variant may disrupt the consensus splice site. In summary, the currently available evidence indicates that the variant is pathogenic, but additional data are needed to prove that conclusively. Therefore, this variant has been classified as Likely Pathogenic.

Literature cited by the submitters: PubMed 16199547; PubMed 32051609; PubMed 34425242.

NM_001903.5(CTNNA1):c.1900-2A>T

Gene: CTNNA1 (catenin alpha 1; plus strand). Cytogenetic location: 5q31.2.
Variant type: single nucleotide variant.
Coding change: c.1900-2A>T on transcript NM_001903.5 (MANE Select); the canonical splice acceptor site of the intron before coding-DNA position 1900, A replaced by T.
Molecular consequence: splice acceptor variant.
Genome position (GRCh38, 1-based): chr5:138,929,244, A>T. VCF-style: chr5-138929244-A-T. GRCh37 (hg19) VCF-style: chr5-138264933-A-T.
Other names: c.1900-2A>T (NM_001323982.2, NM_001323984.2, NM_001290307.3 and 2 more transcripts); c.1807-2A>T (NM_001323986.2); c.1531-2A>T (NM_001290310.3); c.1591-2A>T (NM_001290309.3); c.790-2A>T (NM_001323996.1, NM_001323993.1, NM_001324005.1 and 17 more transcripts); c.451-2A>T (NM_001324007.1, NM_001324009.1, NM_001324006.1 and 2 more transcripts); c.547-2A>T (NM_001324013.1, NM_001324012.1); c.697-2A>T (NM_001324011.1).
Identifiers: ClinVar variation 1357612 (VCV001357612.8), dbSNP rs2150324612, ClinGen allele CA361132663.